The following is an entry in ClinVar:

NM_178822.5(IGSF10):c.64G>A (p.Ala22Thr)

Gene: IGSF10 (immunoglobulin superfamily member 10; minus strand). Cytogenetic location: 3q25.1.
Variant type: single nucleotide variant.
Coding change: c.64G>A on transcript NM_178822.5 (MANE Select); coding-DNA position 64, G replaced by A.
Protein change: p.Ala22Thr; replaces alanine 22 with threonine.
Molecular consequence: missense variant.
Genome position (GRCh38, 1-based): chr3:151,458,646, C>T on the plus strand (G>A on the coding strand, the complement: IGSF10 is on the minus strand). VCF-style: chr3-151458646-C-T. GRCh37 (hg19) VCF-style: chr3-151176434-C-T.
Other names: c.64G>A, p.Ala22Thr (NM_001385060.1, NM_001385061.1, NM_001385062.1 and 1 more transcripts); short protein forms A22T.
Identifiers: ClinVar variation 5038462 (VCV005038462.1).
Genomic context (GRCh38, chr3:151,458,646, plus strand): 5'-GTACCTCCGTAGGCATATAACAGGCACAGCGGCGAGGACAGGCCTTGCCCCCAGGGGTGG[C>T]GACCAGGCAGATCACAGCAAAGGAGACCAGCAAGCAGGTGATTCCTCTGCCTTTTACCTT-3'
Protein context (NP_849144.2, residues 12-32): LVSFAVICLV[Ala22Thr]TPGGKACPRR

ClinVar aggregate classification (germline): Likely benign (1 of 4 stars; one submission).

gnomAD v4.1: 131 of 1,614,148 alleles (0.0081%); highest among the groups gnomAD compares: South Asian, 0.078%; 2 homozygotes.

Submission:

CeGaT Center for Human Genetics Tuebingen
Classification: Likely benign. Last evaluated: 2026-06-01. Review status: criteria provided, single submitter. Criteria: CeGaT Center For Human Genetics Tuebingen Variant Classification Criteria Version 2. Collection method: clinical testing. Allele origin: germline. Affected: yes. Observed: 1 variant allele.
Comment: IGSF10: BP4